The following is an entry in ClinVar:

NM_001006630.2(CHRM2):c.629C>T (p.Ser210Phe)

Genes: CHRM2 (cholinergic receptor muscarinic 2; plus strand), LOC349160 (uncharacterized LOC349160; minus strand). Cytogenetic location: 7q33.
Variant type: single nucleotide variant.
Coding change: c.629C>T on transcript NM_001006630.2 (MANE Select); coding-DNA position 629, C replaced by T.
Protein change: p.Ser210Phe; replaces serine 210 with phenylalanine.
Molecular consequence: missense variant.
Genome position (GRCh38, 1-based): chr7:137,015,494, C>T. VCF-style: chr7-137015494-C-T. GRCh37 (hg19) VCF-style: chr7-136700241-C-T.
Other names: c.629C>T, p.Ser210Phe (NM_000739.3, NM_001006626.3, NM_001006627.3 and 6 more transcripts); short protein forms S210F.
Identifiers: ClinVar variation 582713 (VCV000582713.10), dbSNP rs1563128628, ClinGen allele CA369486927.

ClinVar aggregate classification (germline): Uncertain significance (1 of 4 stars; one submission).

Submission:

Labcorp Genetics (formerly Invitae), Labcorp
Classification: Uncertain significance. Last evaluated: 2020-05-05. Review status: criteria provided, single submitter. Criteria: Invitae Variant Classification Sherloc (09022015). Collection method: clinical testing. Allele origin: germline.
Comment: This sequence change replaces serine with phenylalanine at codon 210 of the CHRM2 protein (p.Ser210Phe). The serine residue is highly conserved and there is a large physicochemical difference between serine and phenylalanine. This variant is not present in population databases (ExAC no frequency). This variant has not been reported in the literature in individuals with CHRM2-related disease. Algorithms developed to predict the effect of missense changes on protein structure and function do not agree on the potential impact of this missense change (SIFT: "Tolerated"; PolyPhen-2: "Probably Damaging"; Align-GVGD: "Class C0"). In summary, the available evidence is currently insufficient to determine the role of this variant in disease. Therefore, it has been classified as a Variant of Uncertain Significance.